The following is an entry in ClinVar:

NM_000268.4(NF2):c.95A>C (p.Glu32Ala)

Gene: NF2 (NF2, moesin-ezrin-radixin like (MERLIN) tumor suppressor; plus strand). Cytogenetic location: 22q12.2.
Variant type: single nucleotide variant.
Coding change: c.95A>C on transcript NM_000268.4 (MANE Select); coding-DNA position 95, A replaced by C.
Protein change: p.Glu32Ala; replaces glutamic acid 32 with alanine.
Molecular consequence: missense variant. On other transcripts: non-coding transcript variant (1).
Genome position (GRCh38, 1-based): chr22:29,604,093, A>C. VCF-style: chr22-29604093-A-C. GRCh37 (hg19) VCF-style: chr22-30000082-A-C.
Other names: c.95A>C, p.Glu32Ala (NM_016418.5, NM_181825.3, NM_181828.3 and 5 more transcripts); short protein forms E32A.
Identifiers: ClinVar variation 1394891 (VCV001394891.8), dbSNP rs2146660903, ClinGen allele CA411146239.

ClinVar aggregate classification (germline): Uncertain significance (1 of 4 stars; one submission).

Conditions:
Neurofibromatosis, type 2 (SWNV). Also called: BILATERAL ACOUSTIC NEUROFIBROMATOSIS; NF2-Related Schwannomatosis; SCHWANNOMATOSIS, VESTIBULAR. Identifiers: Orphanet 637, MedGen C0027832, MONDO:0007039, OMIM 101000. Disease mechanism: loss of function.

Submission:

Labcorp Genetics (formerly Invitae), Labcorp
Classification: Uncertain significance for Neurofibromatosis, type 2. Last evaluated: 2024-04-24. Review status: criteria provided, single submitter. Criteria: Invitae Variant Classification Sherloc (09022015). Collection method: clinical testing. Allele origin: germline.
Comment: This sequence change replaces glutamic acid, which is acidic and polar, with alanine, which is neutral and non-polar, at codon 32 of the NF2 protein (p.Glu32Ala). This variant is not present in population databases (gnomAD no frequency). This variant has not been reported in the literature in individuals affected with NF2-related conditions. ClinVar contains an entry for this variant (Variation ID: 1394891). Advanced modeling of protein sequence and biophysical properties (such as structural, functional, and spatial information, amino acid conservation, physicochemical variation, residue mobility, and thermodynamic stability) performed at Invitae indicates that this missense variant is expected to disrupt NF2 protein function with a positive predictive value of 80%. In summary, the available evidence is currently insufficient to determine the role of this variant in disease. Therefore, it has been classified as a Variant of Uncertain Significance.